The following is an entry in ClinVar:

NM_001127222.2(CACNA1A):c.4154T>C (p.Leu1385Pro)

Genes: CACNA1A (calcium voltage-gated channel subunit alpha1 A; minus strand), LOC126862864 (MED14-independent group 3 enhancer GRCh37_chr19:13371552-13372751; plus strand). Cytogenetic location: 19p13.13.
Variant type: single nucleotide variant.
Coding change: c.4154T>C on transcript NM_001127222.2 (MANE Select); coding-DNA position 4154, T replaced by C.
Protein change: p.Leu1385Pro; replaces leucine 1385 with proline.
Molecular consequence: missense variant.
Genome position (GRCh38, 1-based): chr19:13,261,546, A>G on the plus strand (T>C on the coding strand, the complement: CACNA1A is on the minus strand). VCF-style: chr19-13261546-A-G. GRCh37 (hg19) VCF-style: chr19-13372360-A-G.
Other names: c.4166T>C, p.Leu1389Pro (NM_000068.4, NM_023035.3); c.4157T>C, p.Leu1386Pro (NM_001127221.2, NM_001174080.2); short protein forms L1386P, L1385P, L1389P.
Identifiers: ClinVar variation 2940622 (VCV002940622.3), dbSNP rs2512759419, ClinGen allele CA404339749.

ClinVar aggregate classification (germline): Uncertain significance (1 of 4 stars; one submission).

Conditions:
Episodic ataxia type 2 (EA2). Also called: CEREBELLAR ATAXIA, PAROXYSMAL, ACETAZOLAMIDE-RESPONSIVE; CEREBELLOPATHY, HEREDITARY PAROXYSMAL; EPISODIC ATAXIA, NYSTAGMUS-ASSOCIATED; ACETAZOLAMIDE-RESPONSIVE HEREDITARY PAROXYSMAL CEREBELLAR ATAXIA; ATAXIA, EPISODIC, WITH NYSTAGMUS; ATAXIA, FAMILIAL PAROXYSMAL. Identifiers: Orphanet 97, MedGen C1720416, MONDO:0007163, OMIM 108500.
Developmental and epileptic encephalopathy, 42 (DEE42A). Also called: Epileptic encephalopathy, early infantile, 42; DEVELOPMENTAL AND EPILEPTIC ENCEPHALOPATHY 42A; EPILEPTIC ENCEPHALOPATHY, EARLY INFANTILE, 42A. Identifiers: MedGen C4310716, MONDO:0014917, OMIM 617106.

Submission:

Labcorp Genetics (formerly Invitae), Labcorp
Classification: Uncertain significance for Developmental and epileptic encephalopathy, 42; Episodic ataxia type 2. Last evaluated: 2022-10-28. Review status: criteria provided, single submitter. Criteria: Invitae Variant Classification Sherloc (09022015). Collection method: clinical testing. Allele origin: germline.
Comment: This sequence change replaces leucine, which is neutral and non-polar, with proline, which is neutral and non-polar, at codon 1386 of the CACNA1A protein (p.Leu1386Pro). In summary, the available evidence is currently insufficient to determine the role of this variant in disease. Therefore, it has been classified as a Variant of Uncertain Significance. Advanced modeling of protein sequence and biophysical properties (such as structural, functional, and spatial information, amino acid conservation, physicochemical variation, residue mobility, and thermodynamic stability) performed at Invitae indicates that this missense variant is expected to disrupt CACNA1A protein function. This variant has not been reported in the literature in individuals affected with CACNA1A-related conditions. This variant is not present in population databases (gnomAD no frequency).